The following is an entry in ClinVar:

NM_015057.5(MYCBP2):c.4222A>C (p.Lys1408Gln)

Gene: MYCBP2 (MYC binding protein 2; minus strand). Cytogenetic location: 13q22.3.
Variant type: single nucleotide variant.
Coding change: c.4222A>C on transcript NM_015057.5 (MANE Select); coding-DNA position 4222, A replaced by C.
Protein change: p.Lys1408Gln; replaces lysine 1408 with glutamine.
Molecular consequence: missense variant.
Genome position (GRCh38, 1-based): chr13:77,188,980, T>G on the plus strand (A>C on the coding strand, the complement: MYCBP2 is on the minus strand). VCF-style: chr13-77188980-T-G. GRCh37 (hg19) VCF-style: chr13-77763115-T-G.
Other names: short protein forms K1408Q.
Identifiers: ClinVar variation 2632956 (VCV002632956.1), dbSNP rs2549131334, ClinGen allele CA388410729.

ClinVar aggregate classification (germline): Uncertain significance (1 of 4 stars; one submission).

Conditions:
MYCBP2-related disorder. Also called: MYCBP2-related condition.

Submission:

PreventionGenetics, part of Exact Sciences
Classification: Uncertain significance for MYCBP2-related condition. Last evaluated: 2023-05-16. Review status: criteria provided, single submitter. Criteria: ACMG Guidelines, 2015. Collection method: clinical testing. Allele origin: germline.
Comment: The MYCBP2 c.4222A>C variant is predicted to result in the amino acid substitution p.Lys1408Gln. To our knowledge, this variant has not been reported in the literature or in a large population database, indicating this variant is rare. At this time, the clinical significance of this variant is uncertain due to the absence of conclusive functional and genetic evidence.